The following is an entry in ClinVar:

ClinVar aggregate classification (germline): Uncertain significance (1 of 4 stars; one submission).

Submission:

GeneDx
Classification: Uncertain significance. Last evaluated: 2024-11-04. Review status: criteria provided, single submitter. Criteria: GeneDx Variant Classification Process June 2021. Collection method: clinical testing. Allele origin: germline. Affected: yes.
Comment: Not observed at significant frequency in large population cohorts (gnomAD); Nonsense variant predicted to result in protein truncation or nonsense mediated decay in a gene or region of a gene for which loss of function is not a well-established mechanism of disease; Has not been previously published as pathogenic or benign to our knowledge; Variants in candidate genes are classified as variants of uncertain significance in accordance with ACMG guidelines (PMID: 25741868)

NM_020717.5(SHROOM4):c.3739C>T (p.Gln1247Ter)

Gene: SHROOM4 (shroom family member 4; minus strand). Cytogenetic location: Xp11.22.
Variant type: single nucleotide variant.
Coding change: c.3739C>T on transcript NM_020717.5 (MANE Select); coding-DNA position 3739, C replaced by T.
Protein change: p.Gln1247Ter; replaces glutamine 1247 with a stop codon.
Molecular consequence: nonsense. On other transcripts: non-coding transcript variant (4).
Genome position (GRCh38, 1-based): chrX:50,607,403, G>A on the plus strand (C>T on the coding strand, the complement: SHROOM4 is on the minus strand). VCF-style: chrX-50607403-G-A. GRCh37 (hg19) VCF-style: chrX-50350403-G-A.
Other names: short protein forms Q1247*.
Identifiers: ClinVar variation 280530 (VCV000280530.3), dbSNP rs886041718, ClinGen allele CA10603608.